The following is an entry in ClinVar:

NM_180989.6(GPR180):c.813G>C (p.Met271Ile)

Gene: GPR180 (G protein-coupled receptor 180; plus strand). Cytogenetic location: 13q32.1.
Variant type: single nucleotide variant.
Coding change: c.813G>C on transcript NM_180989.6 (MANE Select); coding-DNA position 813, G replaced by C.
Protein change: p.Met271Ile; replaces methionine 271 with isoleucine.
Molecular consequence: missense variant.
Genome position (GRCh38, 1-based): chr13:94,621,154, G>C. VCF-style: chr13-94621154-G-C. GRCh37 (hg19) VCF-style: chr13-95273408-G-C.
Other names: short protein forms M271I.
Identifiers: ClinVar variation 3033861 (VCV003033861.2), dbSNP rs113947424, ClinGen allele CA7018472.
Genomic context (GRCh38, chr13:94,621,154, plus strand): 5'-CCAAATTCAGATGTTATACTTACTTTTGAGTCTATGCATGGGTTGGACAATAGTCAGAAT[G>C]AAGAAGTCTCAAAGCAGACCTCTCCAGTGGGATTCTACGCCTGCATCCACTGGCATTGCA-3'
Protein context (NP_851320.1, residues 261-281): SLCMGWTIVR[Met271Ile]KKSQSRPLQW

ClinVar aggregate classification (germline): Benign (0 of 4 stars; one submission).

Conditions:
GPR180-related disorder. Also called: GPR180-related condition.

Allele frequency attached by ClinVar (database versions not stated): gnomAD exomes 0.00070; ExAC 0.00231; 1000 Genomes Project 30x 0.00656; 1000 Genomes Project 0.00699; gnomAD 0.00742; TOPMed 0.00775; ESP Exome Variant Server 0.00907.
gnomAD v4.1: 2,217 of 1,612,664 alleles (0.14%); highest among the groups gnomAD compares: African/African-American, 2.6%; 37 homozygotes.

Submission:

PreventionGenetics, part of Exact Sciences
Classification: Benign for GPR180-related condition. Last evaluated: 2019-03-25. Review status: no assertion criteria provided. Collection method: clinical testing. Allele origin: germline.
Comment: This variant is classified as benign based on ACMG/AMP sequence variant interpretation guidelines (Richards et al. 2015 PMID: 25741868, with internal and published modifications).